The following is an entry in ClinVar:

ClinVar aggregate classification (germline): Benign/Likely benign. Review status: criteria provided, multiple submitters, no conflicts (2 of 4 stars). 7 submissions from 7 submitters: Benign (5); Likely benign (1). 1 of the submissions does not count toward it. Last evaluated 2025-07-25.

Conditions:
SLCO1B1-related disorder. Also called: SLCO1B1-related condition.
Rotor syndrome (HBLRR). Also called: HYPERBILIRUBINEMIA, ROTOR TYPE, DIGENIC; HYPERBILIRUBINEMIA, ROTOR TYPE. Identifiers: Orphanet 3111, MedGen C0220991, MONDO:0009379, OMIM 237450.

Allele frequency attached by ClinVar (database versions not stated): gnomAD exomes 0.00347; ExAC 0.00434; gnomAD 0.01406 and 0.01516; TOPMed 0.01588; ESP Exome Variant Server 0.01655; 1000 Genomes Project 0.01697; 1000 Genomes Project 30x 0.01858.
gnomAD v4.1: 4,153 of 1,611,774 alleles (0.26%); highest among the groups gnomAD compares: African/African-American, 4.9%; 92 homozygotes.

Submissions (7):

ARUP Laboratories, Molecular Genetics and Genomics, ARUP Laboratories
Classification: Benign for Rotor syndrome. Last evaluated: 2025-07-25. Review status: criteria provided, single submitter. Criteria: ARUP Molecular Germline Variant Investigation Process 2024. Collection method: clinical testing. Allele origin: germline.

CeGaT Center for Human Genetics Tuebingen
Classification: Benign. Last evaluated: 2025-03-01. Review status: criteria provided, single submitter. Criteria: CeGaT Center For Human Genetics Tuebingen Variant Classification Criteria Version 2. Collection method: clinical testing. Allele origin: germline. Affected: yes. Observed: 1 variant allele.
Comment: SLCO1B1: BP4, BS1, BS2

Labcorp Genetics (formerly Invitae), Labcorp
Classification: Benign. Last evaluated: 2018-07-18. Review status: criteria provided, single submitter. Criteria: Invitae Variant Classification Sherloc (09022015). Collection method: clinical testing. Allele origin: germline.

Illumina Laboratory Services, Illumina
Classification: Benign for Rotor syndrome. Last evaluated: 2018-01-12. Review status: criteria provided, single submitter. Criteria: ICSL Variant Classification Criteria 13 December 2019. Collection method: clinical testing. Allele origin: germline.
Comment: This variant was observed in the ICSL laboratory as part of a predisposition screen in an ostensibly healthy population. It had not been previously curated by ICSL or reported in the Human Gene Mutation Database (HGMD: prior to June 1st, 2018), and was therefore a candidate for classification through an automated scoring system. Utilizing variant allele frequency, disease prevalence and penetrance estimates, and inheritance mode, an automated score was calculated to assess if this variant is too frequent to cause the disease. Based on the score and internal cut-off values, a variant classified as benign is not then subjected to further curation. The score for this variant resulted in a classification of benign for this disease.

Center for Pediatric Genomic Medicine, Children's Mercy Hospital and Clinics
Classification: Benign. Last evaluated: 2016-10-11. Review status: criteria provided, single submitter. Criteria: ACMG Guidelines, 2015. Collection method: clinical testing. Allele origin: germline.

Breakthrough Genomics
Classification: Likely benign. Review status: criteria provided, single submitter. Criteria: ACMG Guidelines, 2015. Collection method: not provided. Allele origin: germline. Inheritance: Autosomal recessive inheritance. Affected: yes.

PreventionGenetics, part of Exact Sciences
Classification: Likely benign for SLCO1B1-related condition. Last evaluated: 2021-07-21. Review status: no assertion criteria provided. Collection method: clinical testing. Allele origin: germline. Not counted in ClinVar's aggregate classification.
Comment: This variant is classified as likely benign based on ACMG/AMP sequence variant interpretation guidelines (Richards et al. 2015 PMID: 25741868, with internal and published modifications).

NM_006446.5(SLCO1B1):c.1200C>G (p.Phe400Leu)

Gene: SLCO1B1 (solute carrier organic anion transporter family member 1B1; plus strand). Cytogenetic location: 12p12.1.
Variant type: single nucleotide variant.
Coding change: c.1200C>G on transcript NM_006446.5 (MANE Select); coding-DNA position 1200, C replaced by G.
Protein change: p.Phe400Leu; replaces phenylalanine 400 with leucine.
Molecular consequence: missense variant.
Genome position (GRCh38, 1-based): chr12:21,202,555, C>G. VCF-style: chr12-21202555-C-G. GRCh37 (hg19) VCF-style: chr12-21355489-C-G.
Other names: c.1200C>G (LRG_1022t1); short protein forms F400L.
Identifiers: ClinVar variation 307946 (VCV000307946.29), dbSNP rs59113707, ClinGen allele CA6476951.